The following is an entry in ClinVar:

NM_052947.4(ALPK2):c.4250C>A (p.Ala1417Asp)

Genes: ALPK2 (alpha kinase 2; minus strand), LOC126862764 (BRD4-independent group 4 enhancer GRCh37_chr18:56202574-56203773; plus strand). Cytogenetic location: 18q21.31.
Variant type: single nucleotide variant.
Coding change: c.4250C>A on transcript NM_052947.4 (MANE Select); coding-DNA position 4250, C replaced by A.
Protein change: p.Ala1417Asp; replaces alanine 1417 with aspartic acid.
Molecular consequence: missense variant.
Genome position (GRCh38, 1-based): chr18:58,535,937, G>T on the plus strand (C>A on the coding strand, the complement: ALPK2 is on the minus strand). VCF-style: chr18-58535937-G-T. GRCh37 (hg19) VCF-style: chr18-56203169-G-T.
Other names: short protein forms A1417D.
Identifiers: ClinVar variation 2449209 (VCV002449209.2), dbSNP rs1787207765, ClinGen allele CA402563495.

ClinVar aggregate classification (germline): Uncertain significance (1 of 4 stars; one submission).

gnomAD v4.1: 6 of 1,614,200 alleles (0.00037%); highest among the groups gnomAD compares: Non-Finnish European, 0.00051%; no homozygotes.

Submission:

Ambry Genetics
Classification: Uncertain significance. Last evaluated: 2022-11-24. Review status: criteria provided, single submitter. Criteria: Ambry Variant Classification Scheme 2023. Collection method: clinical testing. Allele origin: germline.
Comment: The p.A1417D variant (also known as c.4250C>A), located in coding exon 4 of the ALPK2 gene, results from a C to A substitution at nucleotide position 4250. The alanine at codon 1417 is replaced by aspartic acid, an amino acid with dissimilar properties. This amino acid position is conserved. In addition, this alteration is predicted to be tolerated by in silico analysis. Since supporting evidence is limited at this time, the clinical significance of this alteration remains unclear.